The following is an entry in ClinVar:

NM_001365276.2(TNXB):c.2688_2691del (p.Thr896_Asp897insTer)

Gene: TNXB (tenascin XB; minus strand). Cytogenetic location: 6p21.33.
Variant type: Microsatellite.
Coding change: c.2688_2691del on transcript NM_001365276.2 (MANE Select); coding-DNA positions 2688 to 2691, 4 bases deleted (TGAC; older notation c.2688_2691delTGAC).
Protein change: p.Thr896_Asp897insTer.
Molecular consequence: frameshift variant.
Genome position (GRCh38, 1-based): chr6:32,088,873-32,088,876, GTCA deleted on the plus strand (TGAC on the coding strand, the reverse complement: TNXB is on the minus strand); deleting any 4 consecutive bases within chr6:32,088,873-32,088,881 gives the same sequence; the c. name uses the placement nearest the transcript's 3' end. VCF-style (leftmost placement, unchanged base first): chr6-32088872-GGTCA-G. GRCh37 (hg19) VCF-style: chr6-32056649-GGTCA-G.
Other names: c.2688_2691del, p.Thr896_Asp897insTer (NM_001428335.1, NM_019105.8).
Identifiers: ClinVar variation 4081811 (VCV004081811.1).

ClinVar aggregate classification (germline): Pathogenic (1 of 4 stars; one submission).

Conditions:
Ehlers-Danlos syndrome due to tenascin-X deficiency (EDSCLL1). Also called: TNXB-Related Classical-Like Ehlers-Danlos Syndrome; Ehlers-Danlos syndrome, classic-like, 1; EHLERS-DANLOS SYNDROME, CLASSIC-LIKE; EDS DUE TO TNX DEFICIENCY; TNX DEFICIENCY. Identifiers: Orphanet 230839, MedGen C1848029, MONDO:0011670, OMIM 606408.

Submission:

Myriad Genetics, Inc.
Classification: Pathogenic for Ehlers-Danlos syndrome due to tenascin-X deficiency. Last evaluated: 2025-05-14. Review status: criteria provided, single submitter. Criteria: Myriad Autosomal Dominant, Autosomal Recessive and X-Linked Classification Criteria (2023). Collection method: clinical testing. Allele origin: unknown.
Comment: NM_019105.6(TNXB):c.2688_2691delTGAC(D897*) is a nonsense variant classified as pathogenic in the context of classical-like Ehlers-Danlos syndrome, TNXB-related. D897* has not been observed in cases with relevant disease. Relevant functional assessments of this variant are not available in the literature. D897* has not been observed in referenced population frequency databases. In summary, NM_019105.6(TNXB):c.2688_2691delTGAC(D897*) is a nonsense variant in a gene where loss of function is a known mechanism of disease and is predicted to disrupt protein function. Please note: this variant was assessed in the context of healthy population screening.